The following is an entry in ClinVar:

NM_012469.4(PRPF6):c.2660A>C (p.Gln887Pro)

Gene: PRPF6 (pre-mRNA processing factor 6; plus strand). Cytogenetic location: 20q13.33.
Variant type: single nucleotide variant.
Coding change: c.2660A>C on transcript NM_012469.4 (MANE Select); coding-DNA position 2660, A replaced by C.
Protein change: p.Gln887Pro; replaces glutamine 887 with proline.
Molecular consequence: missense variant.
Genome position (GRCh38, 1-based): chr20:64,032,031, A>C. VCF-style: chr20-64032031-A-C. GRCh37 (hg19) VCF-style: chr20-62663384-A-C.
Other names: short protein forms Q887P.
Identifiers: ClinVar variation 1948776 (VCV001948776.5), dbSNP rs2517656435, ClinGen allele CA409746639.

ClinVar aggregate classification (germline): Uncertain significance (1 of 4 stars; one submission).

Submission:

Labcorp Genetics (formerly Invitae), Labcorp
Classification: Uncertain significance. Last evaluated: 2024-02-05. Review status: criteria provided, single submitter. Criteria: Invitae Variant Classification Sherloc (09022015). Collection method: clinical testing. Allele origin: germline.
Comment: This sequence change replaces glutamine, which is neutral and polar, with proline, which is neutral and non-polar, at codon 887 of the PRPF6 protein (p.Gln887Pro). This variant is not present in population databases (gnomAD no frequency). This variant has not been reported in the literature in individuals affected with PRPF6-related conditions. ClinVar contains an entry for this variant (Variation ID: 1948776). Advanced modeling of protein sequence and biophysical properties (such as structural, functional, and spatial information, amino acid conservation, physicochemical variation, residue mobility, and thermodynamic stability) performed at Invitae indicates that this missense variant is not expected to disrupt PRPF6 protein function with a negative predictive value of 80%. In summary, the available evidence is currently insufficient to determine the role of this variant in disease. Therefore, it has been classified as a Variant of Uncertain Significance.